The following is an entry in ClinVar:

NM_024675.4(PALB2):c.1616T>G (p.Val539Gly)

Gene: PALB2 (partner and localizer of BRCA2; minus strand). Cytogenetic location: 16p12.2.
Variant type: single nucleotide variant.
Coding change: c.1616T>G on transcript NM_024675.4 (MANE Select); coding-DNA position 1616, T replaced by G.
Protein change: p.Val539Gly; replaces valine 539 with glycine.
Molecular consequence: missense variant. On other transcripts: intron variant (3).
Genome position (GRCh38, 1-based): chr16:23,634,930, A>C on the plus strand (T>G on the coding strand, the complement: PALB2 is on the minus strand). VCF-style: chr16-23634930-A-C. GRCh37 (hg19) VCF-style: chr16-23646251-A-C.
Other names: c.1556T>G, p.Val519Gly (NM_001407296.1); c.1616T>G, p.Val539Gly (NM_001407297.1, NM_001407298.1, NM_001407299.1 and 3 more transcripts); c.731T>G, p.Val244Gly (NM_001407304.1, NM_001407305.1, NM_001407306.1 and 5 more transcripts); c.49-5655T>G (NM_001407314.1); c.-104-4461T>G (NM_001407313.1, NM_001407312.1); short protein forms V244G, V519G, V539G.
Identifiers: ClinVar variation 4810411 (VCV004810411.1).
Genomic context (GRCh38, chr16:23,634,930, plus strand): 5'-TGAATAAATAATTTTTCGTGCTGATATTTGTGTGAGGTGACTTCTTCCTTGGACCTGTTA[A>C]CAATCGACAGGCTAGAAGTTGGCAAAAGTGGTTCACAATGATCTGATGCTGGGGTGCAGG-3'
Protein context (NP_078951.2, residues 529-549): PLLPTSSLSI[Val539Gly]NRSKEEVTSH

ClinVar aggregate classification (germline): Uncertain significance (1 of 4 stars; one submission).

Conditions:
Familial cancer of breast. Also called: BREAST CANCER, FAMILIAL; Hereditary breast cancer; hereditary breast carcinoma. Identifiers: Orphanet 227535, MedGen C0346153, MONDO:0016419, OMIM 114480. Disease mechanism: loss of function.

Submission:

Labcorp Genetics (formerly Invitae), Labcorp
Classification: Uncertain significance for Familial cancer of breast. Last evaluated: 2025-09-28. Review status: criteria provided, single submitter. Criteria: Invitae Variant Classification Sherloc (09022015). Collection method: clinical testing. Allele origin: germline.
Comment: This sequence change replaces valine, which is neutral and non-polar, with glycine, which is neutral and non-polar, at codon 539 of the PALB2 protein (p.Val539Gly). This variant is not present in population databases (gnomAD no frequency). This variant has not been reported in the literature in individuals affected with PALB2-related conditions. Invitae Evidence Modeling of protein sequence and biophysical properties (such as structural, functional, and spatial information, amino acid conservation, physicochemical variation, residue mobility, and thermodynamic stability) has been performed for this missense variant. However, the output from this modeling did not meet the statistical confidence thresholds required to predict the impact of this variant on PALB2 protein function. In summary, the available evidence is currently insufficient to determine the role of this variant in disease. Therefore, it has been classified as a Variant of Uncertain Significance.